The following is an entry in ClinVar:

NM_001382567.1(STIM1):c.1180T>C (p.Phe394Leu)

Gene: STIM1 (stromal interaction molecule 1; plus strand). Cytogenetic location: 11p15.4.
Variant type: single nucleotide variant.
Coding change: c.1180T>C on transcript NM_001382567.1 (MANE Select); coding-DNA position 1180, T replaced by C.
Protein change: p.Phe394Leu; replaces phenylalanine 394 with leucine.
Molecular consequence: missense variant. On other transcripts: non-coding transcript variant (2).
Genome position (GRCh38, 1-based): chr11:4,082,924, T>C. VCF-style: chr11-4082924-T-C. GRCh37 (hg19) VCF-style: chr11-4104154-T-C.
Other names: c.1180T>C, p.Phe394Leu (NM_001277961.3, NM_001277962.2, NM_001382568.1 and 1 more transcripts); c.958T>C, p.Phe320Leu (NM_001382566.1, NM_001382573.1, NM_001382575.1 and 4 more transcripts); c.1045T>C, p.Phe349Leu (NM_001382569.1); c.952T>C, p.Phe318Leu (NM_001382570.1); c.700T>C, p.Phe234Leu (NM_001382571.1); c.691T>C, p.Phe231Leu (NM_001382580.1, NM_001382581.1); short protein forms F318L, F394L, F231L, F234L, F320L, F349L.
Identifiers: ClinVar variation 948102 (VCV000948102.8), dbSNP rs771694025, ClinGen allele CA5830419.

ClinVar aggregate classification (germline): Uncertain significance (1 of 4 stars; one submission).

Conditions:
Combined immunodeficiency due to STIM1 deficiency. Also called: IMMUNODEFICIENCY 10; STIM1 DEFICIENCY. Identifiers: Orphanet 169090, Orphanet 317430, MedGen C2748557, MONDO:0013008, OMIM 612783.
Myopathy with tubular aggregates (TAM). Also called: Tubular Aggregate Myopathy. Identifiers: Orphanet 2593, MedGen C0410207, MONDO:0008051.
Stormorken syndrome (STRMK). Also called: THROMBOCYTOPATHY, ASPLENIA, AND MIOSIS. Identifiers: Orphanet 3204, MedGen C1861451, MONDO:0008497, OMIM 185070.

Allele frequency attached by ClinVar (database versions not stated): gnomAD exomes below 0.00001; ExAC 0.00001.
gnomAD v4.1: 6 of 1,614,154 alleles (0.00037%); highest among the groups gnomAD compares: Non-Finnish European, 0.00042%; no homozygotes.

Submission:

Labcorp Genetics (formerly Invitae), Labcorp
Classification: Uncertain significance for Myopathy with tubular aggregates; Combined immunodeficiency due to STIM1 deficiency; Stormorken syndrome. Last evaluated: 2025-07-30. Review status: criteria provided, single submitter. Criteria: Invitae Variant Classification Sherloc (09022015). Collection method: clinical testing. Allele origin: germline.
Comment: This sequence change replaces phenylalanine, which is neutral and non-polar, with leucine, which is neutral and non-polar, at codon 394 of the STIM1 protein (p.Phe394Leu). This variant is present in population databases (rs771694025, gnomAD 0.0009%). This variant has not been reported in the literature in individuals affected with STIM1-related conditions. ClinVar contains an entry for this variant (Variation ID: 948102). Invitae Evidence Modeling of protein sequence and biophysical properties (such as structural, functional, and spatial information, amino acid conservation, physicochemical variation, residue mobility, and thermodynamic stability) has been performed for this missense variant. However, the output from this modeling did not meet the statistical confidence thresholds required to predict the impact of this variant on STIM1 protein function. Experimental studies have shown that this missense change affects STIM1 function (PMID: 24492416, 34498097). In summary, the available evidence is currently insufficient to determine the role of this variant in disease. Therefore, it has been classified as a Variant of Uncertain Significance.

Literature cited by the submitters: PubMed 24492416; PubMed 34498097.